The following is an entry in ClinVar:

ClinVar aggregate classification (germline): Uncertain significance (1 of 4 stars; one submission).

Submission:

GeneDx
Classification: Uncertain significance. Last evaluated: 2024-01-13. Review status: criteria provided, single submitter. Criteria: GeneDx Variant Classification Process June 2021. Collection method: clinical testing. Allele origin: germline. Affected: yes.
Comment: Observed in a patient with congenital heart disease (PMID: 33084842); Not observed at significant frequency in large population cohorts (gnomAD); Canonical splice site variant in a gene or region of a gene for which loss of function is not a well-established mechanism of disease; Variants in candidate genes are classified as variants of uncertain significance in accordance with ACMG guidelines (PMID: 25741868); This variant is associated with the following publications: (PMID: 33084842)

NM_002253.4(KDR):c.1646-2A>T

Gene: KDR (kinase insert domain receptor; minus strand). Cytogenetic location: 4q12.
Variant type: single nucleotide variant.
Coding change: c.1646-2A>T on transcript NM_002253.4 (MANE Select); the canonical splice acceptor site of the intron before coding-DNA position 1646, A replaced by T.
Molecular consequence: splice acceptor variant.
Genome position (GRCh38, 1-based): chr4:55,104,986, T>A on the plus strand (A>T on the coding strand, the complement: KDR is on the minus strand). VCF-style: chr4-55104986-T-A. GRCh37 (hg19) VCF-style: chr4-55971153-T-A.
Identifiers: ClinVar variation 4075491 (VCV004075491.1).